The following is an entry in ClinVar:

NM_020937.4(FANCM):c.32C>G (p.Thr11Arg)

Gene: FANCM (FA complementation group M; plus strand). Cytogenetic location: 14q21.2.
Variant type: single nucleotide variant.
Coding change: c.32C>G on transcript NM_020937.4 (MANE Select); coding-DNA position 32, C replaced by G.
Protein change: p.Thr11Arg; replaces threonine 11 with arginine.
Molecular consequence: missense variant.
Genome position (GRCh38, 1-based): chr14:45,136,063, C>G. VCF-style: chr14-45136063-C-G. GRCh37 (hg19) VCF-style: chr14-45605266-C-G.
Other names: c.32C>G, p.Thr11Arg (NM_001308133.2, NM_001308134.2); short protein forms T11R.
Identifiers: ClinVar variation 5036645 (VCV005036645.1).

ClinVar aggregate classification (germline): Uncertain significance (1 of 4 stars; one submission).

Conditions:
Inborn genetic diseases. Identifiers: MedGen C0950123, MeSH D030342.

Submission:

Ambry Genetics
Classification: Uncertain significance for Inborn genetic diseases. Last evaluated: 2026-07-25. Review status: criteria provided, single submitter. Criteria: Ambry Variant Classification Scheme 2023. Collection method: clinical testing. Allele origin: germline.
Comment: The p.T11R variant (also known as c.32C>G), located in coding exon 1 of the FANCM gene, results from a C to G substitution at nucleotide position 32. The threonine at codon 11 is replaced by arginine, an amino acid with similar properties. This amino acid position is conserved. In addition, the in silico prediction for this alteration is inconclusive. Based on the available evidence, the clinical significance of this variant remains unclear.